The following is an entry in ClinVar:

NC_000017.10:g.(?_56492677)_(56492938_?)del

Gene: RNF43 (ring finger protein 43; minus strand). Cytogenetic location: 17q22.
Variant type: Deletion.
Identifiers: ClinVar variation 1513673 (VCV001513673.3).

ClinVar aggregate classification (germline): Uncertain significance (1 of 4 stars; one submission).

Submission:

Labcorp Genetics (formerly Invitae), Labcorp
Classification: Uncertain significance. Last evaluated: 2021-07-30. Review status: criteria provided, single submitter. Criteria: Invitae Variant Classification Sherloc (09022015). Collection method: clinical testing. Allele origin: germline.
Comment: This variant is a gross deletion of the genomic region encompassing exon(s) 2 of the RNF43 gene, which includes the initiator codon. The 5' end of this event is unknown as it extends beyond the assayed region for this gene and therefore may encompass additional genes. The 3' boundary is likely confined to intron 2 of the RNF43 gene. It is expected to result in an absent or disrupted protein product. However, the current clinical and genetic evidence is not sufficient to establish whether loss-of-function variants in RNF43 cause disease. This variant has not been reported in the literature in individuals with RNF43-related conditions. In summary, the available evidence is currently insufficient to determine the role of this variant in disease. Therefore, it has been classified as a Variant of Uncertain Significance.